The following is an entry in ClinVar:

NM_000218.3(KCNQ1):c.1343C>G (p.Pro448Arg)

Gene: KCNQ1 (potassium voltage-gated channel subfamily Q member 1; plus strand). Cytogenetic location: 11p15.5.
Variant type: single nucleotide variant.
Coding change: c.1343C>G on transcript NM_000218.3 (MANE Select); coding-DNA position 1343, C replaced by G.
Protein change: p.Pro448Arg; replaces proline 448 with arginine.
Molecular consequence: missense variant.
Genome position (GRCh38, 1-based): chr11:2,588,804, C>G. VCF-style: chr11-2588804-C-G. GRCh37 (hg19) VCF-style: chr11-2610034-C-G.
Other names: NM_000218.3(KCNQ1):c.1343C>G; c.1247C>G, p.Pro416Arg (NM_001406836.1); c.1073C>G, p.Pro358Arg (NM_001406837.1); c.803C>G, p.Pro268Arg (NM_001406838.1); c.962C>G, p.Pro321Arg (NM_181798.2); c.1343C>G (LRG_287t1); short protein forms P448R, P321R, P268R, P358R, P416R.
Identifiers: ClinVar variation 67026 (VCV000067026.42), dbSNP rs12720449, ClinGen allele CA005620.

ClinVar aggregate classification (germline): Benign. Review status: reviewed by expert panel (3 of 4 stars). 21 submissions from 18 submitters: Benign (1). 20 of the submissions do not count toward it. Last evaluated 2025-07-01.

Conditions:
Cardiovascular phenotype. Identifiers: MedGen CN230736.
Cardiac arrhythmia. Also called: Arrhythmia; Cardiac rhythm disease. Identifiers: MedGen C0003811, MONDO:0007263, HP:0011675.
Long QT syndrome (LQTS). Identifiers: MedGen C0023976, MeSH D008133, MONDO:0002442. Disease mechanism: loss of function. Inheritance: Various modes of inheritance.
Long QT syndrome 1 (LQT1). Identifiers: Orphanet 101016, Orphanet 768, MedGen C4551647, MONDO:0100316, OMIM 192500, MONDO:0008646.
Atrial fibrillation, familial, 3 (ATFB3). Identifiers: MedGen C1837014, MONDO:0011857, OMIM 607554.
Jervell and Lange-Nielsen syndrome 1 (JLNS1). Also called: DEAFNESS, CONGENITAL, AND FUNCTIONAL HEART DISEASE; CARDIOAUDITORY SYNDROME OF JERVELL AND LANGE-NIELSEN; PROLONGED QT INTERVAL IN EKG AND SUDDEN DEATH; SURDO-CARDIAC SYNDROME. Identifiers: Orphanet 768, Orphanet 90647, MedGen C4551509, MONDO:0024540, OMIM 220400.
Short QT syndrome type 2. Identifiers: Orphanet 51083, MedGen C1865019, MONDO:0012313, OMIM 609621.

Allele frequency attached by ClinVar (database versions not stated): ESP Exome Variant Server 0.00008; TOPMed 0.00755; 1000 Genomes Project 30x 0.01999; 1000 Genomes Project 0.02256.
gnomAD v4.1: 5,128 of 1,613,288 alleles (0.32%); highest among the groups gnomAD compares: East Asian, 9.9%; 212 homozygotes.

Submissions (21):

ClinGen Potassium Channel Arrhythmia Variant Curation Expert Panel, ClinGen
Classification: Benign for Long QT syndrome 1. Last evaluated: 2025-07-01. Review status: reviewed by expert panel. Criteria: ClinGen KChannel ACMG Specifications KCNQ1 V1.0.0 2. Collection method: curation. Allele origin: germline. Inheritance: Autosomal dominant inheritance.
Comment: NM_000218.3(KCNQ1):c.1343C>G (p.Pro448Arg) is a missense variant predicted to cause substitution of proline by arginine at amino acid 448 (p.Pro448Arg). This variant has been reported as a polymorphism that is present in approximately 20% of Asian individuals (PMID: 11997281). This variant is present in gnomAD v.4.1.0 at a maximum allele frequency of 0.09851, with 4408 alleles / 44746 total alleles and 203 homozygotes in the East Asian population, which is higher than the ClinGen Potassium Channel Arrhythmia VCEP BA1 threshold of >0.004 (BA1). The variant has been reported to segregate with long QT syndrome 1 through the proband and 3 affected family members from one family (PP1; PMID: 17597962). This variant has been observed in 1 patient with an alternate molecular basis for disease with a phenotype that is not sufficiently specific (BP5; PMID 15242738). Functional studies have been performed on this variant (PMIDs: 15051636, 15242738), but it does not yet meet the criteria for PS3/BS3. In summary, this variant meets the criteria to be classified as benign for long QT syndrome 1 based on the ACMG/AMP criteria applied, as specified by the ClinGen Potassium Channel Arrhythmia VCEP: BA1, BP5, and PP1. (VCEP specifications version 1.0.0; date of approval 03/04/2025).

Labcorp Genetics (formerly Invitae), Labcorp
Classification: Benign for Long QT syndrome. Last evaluated: 2026-02-04. Review status: criteria provided, single submitter. Criteria: Invitae Variant Classification Sherloc (09022015). Collection method: clinical testing. Allele origin: germline. Not counted in ClinVar's aggregate classification.

GeneDx
Classification: Benign. Last evaluated: 2020-03-11. Review status: criteria provided, single submitter. Criteria: GeneDx Variant Classification Process June 2021. Collection method: clinical testing. Allele origin: germline. Affected: yes. Not counted in ClinVar's aggregate classification.
Comment: This variant is associated with the following publications: (PMID: 31043699, 28988457, 27153395, 10973849, 22479571, 15242738, 24618965, 11997281, 15051636, 22949429, 26846766)

ARUP Laboratories, Molecular Genetics and Genomics, ARUP Laboratories
Classification: Benign. Last evaluated: 2019-10-02. Review status: criteria provided, single submitter. Criteria: ARUP Molecular Germline Variant Investigation Process. Collection method: clinical testing. Allele origin: germline. Not counted in ClinVar's aggregate classification.

Mayo Clinic Laboratories, Mayo Clinic
Classification: Benign. Last evaluated: 2019-03-12. Review status: criteria provided, single submitter. Criteria: ACMG Guidelines, 2015. Collection method: clinical testing. Allele origin: germline. Observed: 7 variant alleles. Not counted in ClinVar's aggregate classification.

Eurofins Ntd Llc (ga)
Classification: Benign. Last evaluated: 2018-06-20. Review status: criteria provided, single submitter. Criteria: EGL ClinVar v180209 classification definitions. Collection method: clinical testing. Allele origin: germline. Observed: 1 variant allele, 1 heterozygote. Not counted in ClinVar's aggregate classification.

Color Diagnostics, LLC DBA Color Health
Classification: Benign for Arrhythmia. Last evaluated: 2018-03-19. Review status: criteria provided, single submitter. Criteria: ACMG Guidelines, 2015. Collection method: clinical testing. Allele origin: germline. Not counted in ClinVar's aggregate classification.

Illumina Laboratory Services, Illumina
Classification: Benign for Long QT syndrome 1. Last evaluated: 2018-03-06. Review status: criteria provided, single submitter. Criteria: ICSL Variant Classification Criteria 13 December 2019. Collection method: clinical testing. Allele origin: germline. Not counted in ClinVar's aggregate classification.
Comment: This variant was observed in the ICSL laboratory as part of a predisposition screen in an ostensibly healthy population. It had not been previously curated by ICSL or reported in the Human Gene Mutation Database (HGMD: prior to June 1st, 2018), and was therefore a candidate for classification through an automated scoring system. Utilizing variant allele frequency, disease prevalence and penetrance estimates, and inheritance mode, an automated score was calculated to assess if this variant is too frequent to cause the disease. Based on the score and internal cut-off values, a variant classified as benign is not then subjected to further curation. The score for this variant resulted in a classification of benign for this disease.

Illumina Laboratory Services, Illumina
Classification: Benign for Atrial fibrillation, familial, 3. Last evaluated: 2018-03-06. Review status: criteria provided, single submitter. Criteria: ICSL Variant Classification Criteria 13 December 2019. Collection method: clinical testing. Allele origin: germline. Not counted in ClinVar's aggregate classification.
Comment: the same text as in the submission from Illumina Laboratory Services, Illumina above.

Illumina Laboratory Services, Illumina
Classification: Benign for Jervell and Lange-Nielsen syndrome 1. Last evaluated: 2018-03-06. Review status: criteria provided, single submitter. Criteria: ICSL Variant Classification Criteria 13 December 2019. Collection method: clinical testing. Allele origin: germline. Not counted in ClinVar's aggregate classification.
Comment: the same text as in the submission from Illumina Laboratory Services, Illumina above.

Illumina Laboratory Services, Illumina
Classification: Benign for Short QT syndrome type 2. Last evaluated: 2018-03-06. Review status: criteria provided, single submitter. Criteria: ICSL Variant Classification Criteria 13 December 2019. Collection method: clinical testing. Allele origin: germline. Not counted in ClinVar's aggregate classification.
Comment: the same text as in the submission from Illumina Laboratory Services, Illumina above.

Center for Pediatric Genomic Medicine, Children's Mercy Hospital and Clinics
Classification: Likely benign. Last evaluated: 2017-08-08. Review status: criteria provided, single submitter. Criteria: ACMG Guidelines, 2015. Collection method: clinical testing. Allele origin: germline. Not counted in ClinVar's aggregate classification.

Ambry Genetics
Classification: Benign for Cardiovascular phenotype. Last evaluated: 2015-04-21. Review status: criteria provided, single submitter. Criteria: Ambry Variant Classification Scheme 2023. Collection method: clinical testing. Allele origin: germline. Not counted in ClinVar's aggregate classification.

Biesecker Lab/Clinical Genomics Section, National Institutes of Health
Classification: Likely benign for Long QT syndrome. Last evaluated: 2013-06-24. Review status: criteria provided, single submitter. Criteria: Ng et al. (Circ Cardiovasc Genet. 2013). Collection method: research. Allele origin: unknown. Observed: 5 variant alleles. Study: ClinSeq. Not counted in ClinVar's aggregate classification.
Comment: The study set was not selected for affection status in relation to any cancer. HGMD phenotype assertion is uncertain. Pathogenicity categories were based on literature curation. See Pubmed ID:23861362 for details.

Medical sequencing

Laboratory for Molecular Medicine, Mass General Brigham Personalized Medicine
Classification: Benign. Last evaluated: 2012-05-07. Review status: criteria provided, single submitter. Criteria: LMM Criteria. Collection method: clinical testing. Allele origin: germline. Observed: 9 variant alleles. Not counted in ClinVar's aggregate classification.
Comment: Pro448Arg in Exon 10 of KCNQ1: This variant is not expected to have clinical sig nificance because it has been identified in 5.8% (7/120) of chromosomes from a p opulation in the dbSNP database (rs127 20449).

Breakthrough Genomics
Classification: Likely benign. Review status: criteria provided, single submitter. Criteria: ACMG Guidelines, 2015. Collection method: not provided. Allele origin: germline. Inheritance: Autosomal recessive inheritance. Affected: yes. Not counted in ClinVar's aggregate classification.

Cardiovascular Biomedical Research Unit, Royal Brompton & Harefield NHS Foundation Trust
No classification provided. Review status: no classification provided. Collection method: literature only. Allele origin: germline. Not counted in ClinVar's aggregate classification.
Comment: This variant has been reported in the following publications (PMID:10973849;PMID:11997281;PMID:14661677;PMID:14731347;PMID:15051636;PMID:15242738;PMID:16155735;PMID:16487223;PMID:17016049;PMID:17210839;PMID:17597962;PMID:19841300).

Clinical Genetics, Academic Medical Center
Classification: Benign. Review status: no assertion criteria provided. Collection method: clinical testing. Allele origin: germline. Affected: yes. Study: VKGL Data-share Consensus. Not counted in ClinVar's aggregate classification.

Genome Diagnostics Laboratory, University Medical Center Utrecht
Classification: Benign. Review status: no assertion criteria provided. Collection method: clinical testing. Allele origin: germline. Affected: yes. Study: VKGL Data-share Consensus. Not counted in ClinVar's aggregate classification.

Joint Genome Diagnostic Labs from Nijmegen and Maastricht, Radboudumc and MUMC+
Classification: Benign. Review status: no assertion criteria provided. Collection method: clinical testing. Allele origin: germline. Affected: yes. Study: VKGL Data-share Consensus. Not counted in ClinVar's aggregate classification.

Laboratory of Diagnostic Genome Analysis, Leiden University Medical Center (LUMC)
Classification: Likely benign. Review status: no assertion criteria provided. Collection method: clinical testing. Allele origin: germline. Affected: yes. Study: VKGL Data-share Consensus. Not counted in ClinVar's aggregate classification.

Literature cited by the submitters: PubMed 10973849 (cited by Cardiovascular Biomedical Research Unit, Royal Brompton & Harefield NHS Foundation Trust); PubMed 11997281 (cited by Cardiovascular Biomedical Research Unit, Royal Brompton & Harefield NHS Foundation Trust); PubMed 14661677 (cited by Cardiovascular Biomedical Research Unit, Royal Brompton & Harefield NHS Foundation Trust); PubMed 14731347 (cited by Cardiovascular Biomedical Research Unit, Royal Brompton & Harefield NHS Foundation Trust); PubMed 15051636 (cited by Cardiovascular Biomedical Research Unit, Royal Brompton & Harefield NHS Foundation Trust); PubMed 15242738 (cited by Cardiovascular Biomedical Research Unit, Royal Brompton & Harefield NHS Foundation Trust); PubMed 16155735 (cited by Cardiovascular Biomedical Research Unit, Royal Brompton & Harefield NHS Foundation Trust); PubMed 16487223 (cited by Cardiovascular Biomedical Research Unit, Royal Brompton & Harefield NHS Foundation Trust); PubMed 17016049 (cited by Cardiovascular Biomedical Research Unit, Royal Brompton & Harefield NHS Foundation Trust); PubMed 17210839 (cited by Cardiovascular Biomedical Research Unit, Royal Brompton & Harefield NHS Foundation Trust); PubMed 17597962 (cited by Cardiovascular Biomedical Research Unit, Royal Brompton & Harefield NHS Foundation Trust); PubMed 19841300 (cited by Cardiovascular Biomedical Research Unit, Royal Brompton & Harefield NHS Foundation Trust); PubMed 22581653 (cited by Cardiovascular Biomedical Research Unit, Royal Brompton & Harefield NHS Foundation Trust).